The following is an entry in ClinVar:

NM_003978.5(PSTPIP1):c.1120-13A>G

Gene: PSTPIP1 (proline-serine-threonine phosphatase interacting protein 1; plus strand). Cytogenetic location: 15q24.3.
Variant type: single nucleotide variant.
Coding change: c.1120-13A>G on transcript NM_003978.5 (MANE Select); 13 bases into the intron before coding-DNA position 1120, A replaced by G.
Molecular consequence: intron variant.
Genome position (GRCh38, 1-based): chr15:77,037,032, A>G. VCF-style: chr15-77037032-A-G. GRCh37 (hg19) VCF-style: chr15-77329373-A-G.
Other names: c.1315-13A>G (NM_001321137.1); c.1093-13A>G (NM_001321136.2); c.1063-13A>G (NM_001321135.2); c.1111-13A>G (NM_001411086.1).
Identifiers: ClinVar variation 2735525 (VCV002735525.4), dbSNP rs367882218, ClinGen allele CA7676196.

ClinVar aggregate classification (germline): Uncertain significance. Review status: criteria provided, multiple submitters, no conflicts (2 of 4 stars). 2 submissions from 2 submitters: Uncertain significance (2). Last evaluated 2024-02-13.

Conditions:
Pyogenic arthritis-pyoderma gangrenosum-acne syndrome (PAPA). Also called: PAPA SYNDROME; FAMILIAL RECURRENT ARTHRITIS. Identifiers: Orphanet 69126, MedGen C1858361, MONDO:0011462, OMIM 604416.

Allele frequency attached by ClinVar (database versions not stated): ExAC 0.00003; ESP Exome Variant Server 0.00008.
gnomAD v4.1: 9 of 1,611,112 alleles (0.00056%); highest among the groups gnomAD compares: East Asian, 0.0022%; no homozygotes.

Submissions (2):

Labcorp Genetics (formerly Invitae), Labcorp
Classification: Uncertain significance for Pyogenic arthritis-pyoderma gangrenosum-acne syndrome. Last evaluated: 2024-02-13. Review status: criteria provided, single submitter. Criteria: Invitae Variant Classification Sherloc (09022015). Collection method: clinical testing. Allele origin: germline.
Comment: This sequence change falls in intron 14 of the PSTPIP1 gene. It does not directly change the encoded amino acid sequence of the PSTPIP1 protein. This variant is present in population databases (rs367882218, gnomAD 0.002%). This variant has not been reported in the literature in individuals affected with PSTPIP1-related conditions. Algorithms developed to predict the effect of sequence changes on RNA splicing suggest that this variant may disrupt the consensus splice site. In summary, the available evidence is currently insufficient to determine the role of this variant in disease. Therefore, it has been classified as a Variant of Uncertain Significance.

Blueprint Genetics
Classification: Uncertain significance. Last evaluated: 2023-07-18. Review status: criteria provided, single submitter. Criteria: ACMG Guidelines, 2015. Collection method: clinical testing. Allele origin: germline.